The following is an entry in ClinVar:

ClinVar aggregate classification (germline): Conflicting classifications of pathogenicity. Review status: criteria provided, conflicting classifications (1 of 4 stars). 3 submissions from 3 submitters: Uncertain significance (2); Likely benign (1). Last evaluated 2025-07-25.

Conditions:
Cardiomyopathy (CMYO). Also called: Cardiomyopathies. Identifiers: Orphanet 167848, MedGen C0878544, MONDO:0004994, HP:0001638. Inheritance: Various modes of inheritance.
Hypertrophic cardiomyopathy. Also called: HYPERTROPHIC MYOCARDIOPATHY. Identifiers: Orphanet 217569, MedGen C0007194, MeSH D002312, MONDO:0005045, HP:0001639.

Allele frequency attached by ClinVar (database versions not stated): gnomAD exomes below 0.00001; TOPMed below 0.00001; gnomAD 0.00001.
gnomAD v4.1: 2 of 1,544,274 alleles (0.00013%); highest among the groups gnomAD compares: Admixed American, 0.0019%; no homozygotes.

Submissions (3):

Color Diagnostics, LLC DBA Color Health
Classification: Likely benign for Cardiomyopathy. Last evaluated: 2025-07-25. Review status: criteria provided, single submitter. Criteria: ACMG Guidelines, 2015. Collection method: clinical testing. Allele origin: germline.

All of Us Research Program, National Institutes of Health
Classification: Uncertain significance for Hypertrophic cardiomyopathy. Last evaluated: 2024-06-07. Review status: criteria provided, single submitter. Criteria: ACMG Guidelines, 2015. Collection method: clinical testing. Allele origin: germline. Inheritance: Autosomal dominant inheritance. Observed: 3 variant alleles, 3 heterozygotes.
Comment: This missense variant replaces valine with isoleucine at codon 878 of the MYBPC3 protein. Computational prediction suggests that this variant may not impact protein structure and function (internally defined REVEL score threshold <= 0.5, PMID: 27666373). To our knowledge, functional studies have not been reported for this variant. This variant has not been reported in individuals affected with MYBPC3-related disorders in the literature. This variant has not been identified in the general population by the Genome Aggregation Database (gnomAD). The available evidence is insufficient to determine the role of this variant in disease conclusively. Therefore, this variant is classified as a Variant of Uncertain Significance.

This study involves interpretation of variants in research participants for the purpose of population health screening. Participant phenotype was not available at the time of variant classification. Additional details can be found in publication PMID: 35346344, PMCID: PMC8962531

GeneDx
Classification: Uncertain significance. Last evaluated: 2014-03-20. Review status: criteria provided, single submitter. Criteria: GeneDx Variant Classification (06012015). Collection method: clinical testing. Allele origin: germline. Affected: yes.
Comment: This variant is denoted p.Val878Ile (GTA>ATA): c.2632 G>A in exon 26 of the MYBPC3 gene (NM_000256.3). The V878I variant has not been published as a mutation, nor has it been reported as a benign polymorphism to our knowledge. The V878I variant was not observed in approximately 6,200 individuals of European and African American ancestry in the NHLBI Exome Sequencing Project, indicating it is not a common benign variant in these population. However, the V878I variant is a conservative amino acid substitution, which is not likely to impact secondary protein structure as these residues share similar properties. This substitution occurs at a position that is class conserved through mammals. Nevertheless, in silico analysis predicts this variant is probably damaging to the protein structure/function. Furthermore, missense mutations in nearby residues (P873L, T885M) have been reported in association with cardiomyopathy, supporting the functional importance of this region of the protein. Therefore, based on the currently available information, it is unclear whether this variant is a pathogenic mutation or a rare benign variant. The variant is found in CARDIOMYOPATHY panel(s).

NM_000256.3(MYBPC3):c.2632G>A (p.Val878Ile)

Gene: MYBPC3 (myosin binding protein C3; minus strand). Cytogenetic location: 11p11.2.
Variant type: single nucleotide variant.
Coding change: c.2632G>A on transcript NM_000256.3 (MANE Select); coding-DNA position 2632, G replaced by A.
Protein change: p.Val878Ile; replaces valine 878 with isoleucine.
Molecular consequence: missense variant.
Genome position (GRCh38, 1-based): chr11:47,335,982, C>T on the plus strand (G>A on the coding strand, the complement: MYBPC3 is on the minus strand). VCF-style: chr11-47335982-C-T. GRCh37 (hg19) VCF-style: chr11-47357533-C-T.
Other names: p.V878I:GTA>ATA; c.2632G>A, p.Val878Ile (LRG_386t1); short protein forms V878I.
Identifiers: ClinVar variation 180980 (VCV000180980.5), dbSNP rs730880574, ClinGen allele CA012779.